The following is an entry in ClinVar:

ClinVar aggregate classification (germline): Pathogenic (1 of 4 stars; one submission).

Conditions:
Severe X-linked myotubular myopathy (CNMX). Also called: X-linked centronuclear myopathy; MYOTUBULAR MYOPATHY 1; Myotubular myopathy, X-linked. Identifiers: Orphanet 596, MedGen C0410203, MONDO:0010683, OMIM 310400.

Submission:

Myriad Genetics, Inc.
Classification: Pathogenic for Severe X-linked myotubular myopathy. Last evaluated: 2023-08-22. Review status: criteria provided, single submitter. Criteria: Myriad Autosomal Dominant, Autosomal Recessive and X-Linked Classification Criteria (2023). Collection method: clinical testing. Allele origin: unknown.
Comment: NM_000252.2(MTM1):c.970_971ins17(V324Dfs*7) is expected to be pathogenic in the context of X-linked myotubular myopathy. This variant is predicted to lead to an abnormal or absent protein product due to the creation of a premature termination codon in MTM1, a gene where loss-of-function variants are known to be pathogenic. Please note: this variant was assessed in the context of healthy population screening.

NM_000252.3(MTM1):c.970_971insACTGTCTCTTATACACA (p.Val324fs)

Gene: MTM1 (myotubularin 1; plus strand). Cytogenetic location: Xq28.
Variant type: Insertion.
Coding change: c.970_971insACTGTCTCTTATACACA on transcript NM_000252.3 (MANE Select); coding-DNA positions 970 to 971, ACTGTCTCTTATACACA inserted.
Protein change: p.Val324fs; shifts the reading frame from valine 324.
Molecular consequence: frameshift variant.
Genome position: GRCh38 VCF-style: chrX-150649818-G-GACTGTCTCTTATACACA. GRCh37 (hg19) VCF-style: chrX-149818291-G-GACTGTCTCTTATACACA.
Other names: c.970_971insACTGTCTCTTATACACA, p.Val324fs (NM_001376906.1, NM_001376908.1); c.859_860insACTGTCTCTTATACACA, p.Val287fs (NM_001376907.1); short protein forms V287fs, V324fs.
Identifiers: ClinVar variation 5011446 (VCV005011446.1).
Genomic context (GRCh38, chrX:150,649,818, plus strand): 5'-GCCGAACTTTTCTTCTTAGACATTCATAATATTCATGTTATGCGGGAATCTTTAAAAAAA[G>GACTGTCTCTTATACACA]TGAAGGACATTGTTTATCCTAATGTAGAAGAATCTCATTGGTTGTCCAGTTTGGAGTCTA-3'